The following is an entry in ClinVar:

NM_000321.3(RB1):c.941T>C (p.Val314Ala)

Gene: RB1 (RB transcriptional corepressor 1; plus strand). Cytogenetic location: 13q14.2.
Variant type: single nucleotide variant.
Coding change: c.941T>C on transcript NM_000321.3 (MANE Select); coding-DNA position 941, T replaced by C.
Protein change: p.Val314Ala; replaces valine 314 with alanine.
Molecular consequence: missense variant.
Genome position (GRCh38, 1-based): chr13:48,367,495, T>C. VCF-style: chr13-48367495-T-C. GRCh37 (hg19) VCF-style: chr13-48941631-T-C.
Other names: c.941T>C, p.Val314Ala (NM_001407165.1, NM_001407166.1); short protein forms V314A.
Identifiers: ClinVar variation 1766904 (VCV001766904.8), dbSNP rs780006952, ClinGen allele CA388160571.

ClinVar aggregate classification (germline): Uncertain significance. Review status: criteria provided, multiple submitters, no conflicts (2 of 4 stars). 3 submissions from 3 submitters: Uncertain significance (3). Last evaluated 2025-04-06.

Conditions:
Hereditary cancer-predisposing syndrome. Also called: Hereditary Cancer Syndrome; Hereditary neoplastic syndrome; Neoplastic Syndromes, Hereditary; Tumor predisposition. Identifiers: Orphanet 140162, MedGen C0027672, MeSH D009386, MONDO:0015356.
Retinoblastoma (RB1). Also called: RETINOBLASTOMA, SOMATIC. Identifiers: Orphanet 790, MedGen C0035335, MeSH D012175, MONDO:0008380, OMIM 180200, HP:0009919. Disease mechanism: loss of function. Inheritance: Both sporadic and heritable forms are tested..

gnomAD v4.1: 1 of 1,602,248 alleles (0.000062%); highest among the groups gnomAD compares: African/African-American, 0.0013%; no homozygotes.

Submissions (3):

Labcorp Genetics (formerly Invitae), Labcorp
Classification: Uncertain significance for Retinoblastoma. Last evaluated: 2025-04-06. Review status: criteria provided, single submitter. Criteria: Invitae Variant Classification Sherloc (09022015). Collection method: clinical testing. Allele origin: germline.
Comment: This sequence change replaces valine, which is neutral and non-polar, with alanine, which is neutral and non-polar, at codon 314 of the RB1 protein (p.Val314Ala). This variant is present in population databases (no rsID available, gnomAD 0.01%). This variant has not been reported in the literature in individuals affected with RB1-related conditions. ClinVar contains an entry for this variant (Variation ID: 1766904). An algorithm developed to predict the effect of missense changes on protein structure and function (PolyPhen-2) suggests that this variant is likely to be tolerated. In summary, the available evidence is currently insufficient to determine the role of this variant in disease. Therefore, it has been classified as a Variant of Uncertain Significance.

Ambry Genetics
Classification: Uncertain significance for Hereditary cancer-predisposing syndrome. Last evaluated: 2024-03-02. Review status: criteria provided, single submitter. Criteria: Ambry Variant Classification Scheme 2023. Collection method: clinical testing. Allele origin: germline.
Comment: The p.V314A variant (also known as c.941T>C), located in coding exon 10 of the RB1 gene, results from a T to C substitution at nucleotide position 941. The valine at codon 314 is replaced by alanine, an amino acid with similar properties. This amino acid position is conserved. In addition, the in silico prediction for this alteration is inconclusive. Since supporting evidence is limited at this time, the clinical significance of this alteration remains unclear.

All of Us Research Program, National Institutes of Health
Classification: Uncertain significance for Retinoblastoma. Last evaluated: 2024-01-11. Review status: criteria provided, single submitter. Criteria: ACMG Guidelines, 2015. Collection method: clinical testing. Allele origin: germline. Inheritance: Autosomal dominant inheritance. Observed: 2 variant alleles, 2 heterozygotes.
Comment: This missense variant replaces valine with alanine at codon 314 of the RB1 protein. Computational prediction suggests that this variant may not impact protein structure and function (internally defined REVEL score threshold <= 0.5, PMID: 27666373). To our knowledge, functional studies have not been reported for this variant. This variant has not been reported in individuals affected with hereditary cancer in the literature. This variant has been identified in 1/31390 chromosomes in the general population by the Genome Aggregation Database (gnomAD). The available evidence is insufficient to determine the role of this variant in disease conclusively. Therefore, this variant is classified as a Variant of Uncertain Significance.

This study involves interpretation of variants in research participants for the purpose of population health screening. Participant phenotype was not available at the time of variant classification. Additional details can be found in publication PMID: 35346344, PMCID: PMC8962531